The following is an entry in ClinVar:

ClinVar aggregate classification (germline): Conflicting classifications of pathogenicity. Review status: criteria provided, conflicting classifications (1 of 4 stars). 3 submissions from 3 submitters: Uncertain significance (1); Likely benign (2). Last evaluated 2025-06-30.

Conditions:
Hereditary cancer-predisposing syndrome. Also called: Neoplastic Syndromes, Hereditary; Tumor predisposition; Hereditary Cancer Syndrome; Hereditary neoplastic syndrome. Identifiers: Orphanet 140162, MedGen C0027672, MeSH D009386, MONDO:0015356.

gnomAD v4.1: 3 of 1,610,268 alleles (0.00019%); highest among the groups gnomAD compares: Middle Eastern, 0.05%; no homozygotes.

Submissions (3):

Ambry Genetics
Classification: Likely benign for Hereditary cancer-predisposing syndrome. Last evaluated: 2025-06-30. Review status: criteria provided, single submitter. Criteria: Ambry Variant Classification Scheme 2023. Collection method: clinical testing. Allele origin: germline.

Color Diagnostics, LLC DBA Color Health
Classification: Likely benign for Hereditary cancer-predisposing syndrome. Last evaluated: 2023-07-17. Review status: criteria provided, single submitter. Criteria: ACMG Guidelines, 2015. Collection method: clinical testing. Allele origin: germline.

GeneDx
Classification: Uncertain significance. Last evaluated: 2023-05-31. Review status: criteria provided, single submitter. Criteria: GeneDx Variant Classification Process June 2021. Collection method: clinical testing. Allele origin: germline. Affected: yes.
Comment: Not observed at significant frequency in large population cohorts (gnomAD); In silico analysis supports that this variant does not alter splicing; Has not been previously published as pathogenic or benign to our knowledge

NM_000051.4(ATM):c.2169G>C (p.Val723=)

Gene: ATM (ATM serine/threonine kinase; plus strand). Cytogenetic location: 11q22.3.
Variant type: single nucleotide variant.
Coding change: c.2169G>C on transcript NM_000051.4 (MANE Select); coding-DNA position 2169, G replaced by C.
Protein change: p.Val723=; no amino-acid change (valine 723 retained).
Molecular consequence: synonymous variant.
Genome position (GRCh38, 1-based): chr11:108,256,259, G>C. VCF-style: chr11-108256259-G-C. GRCh37 (hg19) VCF-style: chr11-108126986-G-C.
Other names: c.2169G>C, p.Val723= (NM_001351834.2).
Identifiers: ClinVar variation 2774213 (VCV002774213.4), dbSNP rs878853491, ClinGen allele CA476672511.